The following is an entry in ClinVar:

ClinVar aggregate classification (germline): Uncertain significance (1 of 4 stars; one submission).

Conditions:
Dilated cardiomyopathy 1KK (CMD1KK). Identifiers: Orphanet 154, Orphanet 75249, MedGen C3714995, MONDO:0014100, OMIM 615248.

Submission:

Labcorp Genetics (formerly Invitae), Labcorp
Classification: Uncertain significance for Dilated cardiomyopathy 1KK. Last evaluated: 2022-11-29. Review status: criteria provided, single submitter. Criteria: Invitae Variant Classification Sherloc (09022015). Collection method: clinical testing. Allele origin: germline.
Comment: This sequence change replaces arginine, which is basic and polar, with lysine, which is basic and polar, at codon 80 of the MYPN protein (p.Arg80Lys). This variant is not present in population databases (gnomAD no frequency). This variant has not been reported in the literature in individuals affected with MYPN-related conditions. ClinVar contains an entry for this variant (Variation ID: 570616). Algorithms developed to predict the effect of missense changes on protein structure and function are either unavailable or do not agree on the potential impact of this missense change (SIFT: "Tolerated"; PolyPhen-2: "Possibly Damaging"; Align-GVGD: "Class C0"). In summary, the available evidence is currently insufficient to determine the role of this variant in disease. Therefore, it has been classified as a Variant of Uncertain Significance.

NM_032578.4(MYPN):c.239G>A (p.Arg80Lys)

Gene: MYPN (myopalladin; plus strand). Cytogenetic location: 10q21.3.
Variant type: single nucleotide variant.
Coding change: c.239G>A on transcript NM_032578.4 (MANE Select); coding-DNA position 239, G replaced by A.
Protein change: p.Arg80Lys; replaces arginine 80 with lysine.
Molecular consequence: missense variant. On other transcripts: 5 prime UTR variant (1), non-coding transcript variant (1).
Genome position (GRCh38, 1-based): chr10:68,121,677, G>A. VCF-style: chr10-68121677-G-A. GRCh37 (hg19) VCF-style: chr10-69881434-G-A.
Other names: c.239G>A, p.Arg80Lys (NM_001256267.2); c.-884G>A (NM_001256268.2); short protein forms R80K.
Identifiers: ClinVar variation 570616 (VCV000570616.8), dbSNP rs1564647073, ClinGen allele CA377103903.